The following is an entry in ClinVar:

NM_000051.4(ATM):c.7557_7564delinsA (p.Met2520fs)

Genes: ATM (ATM serine/threonine kinase; plus strand), C11orf65 (chromosome 11 open reading frame 65; minus strand). Cytogenetic location: 11q22.3.
Variant type: Indel.
Coding change: c.7557_7564delinsA on transcript NM_000051.4 (MANE Select); coding-DNA positions 7557 to 7564, TATGTACC replaced by A.
Protein change: p.Met2520fs; shifts the reading frame from methionine 2520.
Molecular consequence: frameshift variant. On other transcripts: non-coding transcript variant (1), intron variant (2).
Genome position (GRCh38, 1-based): chr11:108,331,485-108,331,492, TATGTACC replaced by A. VCF-style: chr11-108331485-TATGTACC-A. GRCh37 (hg19) VCF-style: chr11-108202212-TATGTACC-A.
Other names: c.7557_7564delinsA, p.Met2520fs (NM_001351834.2); c.641-22421_641-22414delinsT (NM_001330368.2); c.*38+3728_*38+3735delinsT (NM_001351110.2); short protein forms M2520fs.
Identifiers: ClinVar variation 4294235 (VCV004294235.1).
Genomic context (GRCh38, chr11:108,331,485, plus strand): 5'-GTCTTTTTTTTAATGGTAGAGAGACGGAATGAAGATTCCAACATATAAATTTTTGCCTCT[TATGTACC>A]AATTGGCTGCTAGAATGGGGACCAAGATGATGGGAGGCCTAGGATTTCATGAAGTCCTCA-3'

ClinVar aggregate classification (germline): Pathogenic (1 of 4 stars; one submission).

Conditions:
Familial cancer of breast. Also called: BREAST CANCER, FAMILIAL; Hereditary breast cancer; hereditary breast carcinoma. Identifiers: Orphanet 227535, MedGen C0346153, MONDO:0016419, OMIM 114480. Disease mechanism: loss of function.

Submission:

Myriad Genetics, Inc.
Classification: Pathogenic for Familial cancer of breast. Last evaluated: 2025-07-16. Review status: criteria provided, single submitter. Criteria: Myriad Autosomal Dominant, Autosomal Recessive and X-Linked Classification Criteria (2023). Collection method: clinical testing. Allele origin: unknown.
Comment: This variant is considered pathogenic. This variant creates a frameshift predicted to result in premature protein truncation.